The following is an entry in ClinVar:

NM_033305.3(VPS13A):c.2500G>A (p.Val834Ile)

Gene: VPS13A (vacuolar protein sorting 13 homolog A; plus strand). Cytogenetic location: 9q21.2.
Variant type: single nucleotide variant.
Coding change: c.2500G>A on transcript NM_033305.3 (MANE Select); coding-DNA position 2500, G replaced by A.
Protein change: p.Val834Ile; replaces valine 834 with isoleucine.
Molecular consequence: missense variant.
Genome position (GRCh38, 1-based): chr9:77,273,352, G>A. VCF-style: chr9-77273352-G-A. GRCh37 (hg19) VCF-style: chr9-79888268-G-A.
Other names: c.2500G>A, p.Val834Ile (NM_001018037.2, NM_001018038.3, NM_015186.4); short protein forms V834I.
Identifiers: ClinVar variation 3715811 (VCV003715811.2).

ClinVar aggregate classification (germline): Conflicting classifications of pathogenicity. Review status: criteria provided, conflicting classifications (1 of 4 stars). 2 submissions from 2 submitters: Uncertain significance (1); Likely benign (1). Last evaluated 2024-03-27.

gnomAD v4.1: 82 of 1,608,426 alleles (0.0051%); highest among the groups gnomAD compares: African/African-American, 0.055%; no homozygotes.

Submissions (2):

Labcorp Genetics (formerly Invitae), Labcorp
Classification: Uncertain significance. Last evaluated: 2024-03-27. Review status: criteria provided, single submitter. Criteria: Invitae Variant Classification Sherloc (09022015). Collection method: clinical testing. Allele origin: germline.
Comment: This sequence change replaces valine, which is neutral and non-polar, with isoleucine, which is neutral and non-polar, at codon 834 of the VPS13A protein (p.Val834Ile). The frequency data for this variant in the population databases is considered unreliable, as metrics indicate poor data quality at this position in the gnomAD database. This variant has not been reported in the literature in individuals affected with VPS13A-related conditions. Advanced modeling of protein sequence and biophysical properties (such as structural, functional, and spatial information, amino acid conservation, physicochemical variation, residue mobility, and thermodynamic stability) performed at Invitae indicates that this missense variant is expected to disrupt VPS13A protein function with a positive predictive value of 80%. In summary, the available evidence is currently insufficient to determine the role of this variant in disease. Therefore, it has been classified as a Variant of Uncertain Significance.

Blueprint Genetics
Classification: Likely benign. Last evaluated: 2022-10-19. Review status: criteria provided, single submitter. Criteria: ACMG Guidelines, 2015. Collection method: clinical testing. Allele origin: germline.